The following is an entry in ClinVar:

ClinVar aggregate classification (germline): Conflicting classifications of pathogenicity. Review status: criteria provided, conflicting classifications (1 of 4 stars). 7 submissions from 6 submitters: Uncertain significance (5); Benign (1); Likely benign (1). Last evaluated 2025-09-15.

Conditions:
Aortic valve disease 1 (AOVD1). Identifiers: MedGen C3887892, MONDO:0024523, OMIM 109730.
Adams-Oliver syndrome 5 (AOS5). Identifiers: Orphanet 974, MedGen C4014970, MONDO:0014459, OMIM 616028.
Familial thoracic aortic aneurysm and aortic dissection (TAAD). Also called: Thoracic aortic aneurysms and dissections. Identifiers: Orphanet 91387, MedGen C4707243, MONDO:0019625.

Allele frequency attached by ClinVar (database versions not stated): gnomAD exomes 0.00001; TOPMed 0.00006; ExAC 0.00007.
gnomAD v4.1: 12 of 1,547,054 alleles (0.00078%); highest among the groups gnomAD compares: African/African-American, 0.016%; no homozygotes.

Submissions (7):

Women's Health and Genetics/Laboratory Corporation of America, LabCorp
Classification: Likely benign. Last evaluated: 2025-09-15. Review status: criteria provided, single submitter. Criteria: LabCorp Variant Classification Summary - May 2015. Collection method: clinical testing. Allele origin: germline.
Comment: Variant summary: NOTCH1 c.674C>G (p.Ser225Trp) results in a non-conservative amino acid change in the encoded protein sequence. Algorithms developed to predict the effect of missense changes on protein structure and function all suggest that this variant is likely to be disruptive. The variant allele was found at a frequency of 7.8e-06 in 1547054 control chromosomes. The observed variant frequency exceeds the estimated maximal expected allele frequency for disease-causing variants in NOTCH1. To our knowledge, no occurrence of c.674C>G in individuals affected with NOTCH1-related conditions and no experimental evidence demonstrating its impact on protein function have been reported. ClinVar contains an entry for this variant (Variation ID: 658635). Based on the evidence outlined above, the variant was classified as likely benign.

Ambry Genetics
Classification: Uncertain significance for Familial thoracic aortic aneurysm and aortic dissection. Last evaluated: 2025-08-07. Review status: criteria provided, single submitter. Criteria: Ambry Variant Classification Scheme 2023. Collection method: clinical testing. Allele origin: germline.

Labcorp Genetics (formerly Invitae), Labcorp
Classification: Benign for Adams-Oliver syndrome 5. Last evaluated: 2022-12-06. Review status: criteria provided, single submitter. Criteria: Invitae Variant Classification Sherloc (09022015). Collection method: clinical testing. Allele origin: germline.

GeneDx
Classification: Uncertain significance. Last evaluated: 2022-04-05. Review status: criteria provided, single submitter. Criteria: GeneDx Variant Classification Process June 2021. Collection method: clinical testing. Allele origin: germline. Affected: yes.
Comment: Not observed at significant frequency in large population cohorts (gnomAD); In silico analysis supports that this missense variant has a deleterious effect on protein structure/function; Has not been previously published as pathogenic or benign to our knowledge

Genome-Nilou Lab
Classification: Uncertain significance for Adams-Oliver syndrome 5. Last evaluated: 2022-03-15. Review status: criteria provided, single submitter. Criteria: ACMG Guidelines, 2015. Collection method: clinical testing. Allele origin: germline. Affected: no.

Genome-Nilou Lab
Classification: Uncertain significance for Aortic valve disease 1. Last evaluated: 2022-03-15. Review status: criteria provided, single submitter. Criteria: ACMG Guidelines, 2015. Collection method: clinical testing. Allele origin: germline. Affected: no.

AiLife Diagnostics
Classification: Uncertain significance. Last evaluated: 2021-12-08. Review status: criteria provided, single submitter. Criteria: ACMG Guidelines, 2015. Collection method: clinical testing. Allele origin: germline. Affected: yes. Observed: 1 variant allele.

NM_017617.5(NOTCH1):c.674C>G (p.Ser225Trp)

Gene: NOTCH1 (notch receptor 1; minus strand). Cytogenetic location: 9q34.3.
Variant type: single nucleotide variant.
Coding change: c.674C>G on transcript NM_017617.5 (MANE Select); coding-DNA position 674, C replaced by G.
Protein change: p.Ser225Trp; replaces serine 225 with tryptophan.
Molecular consequence: missense variant.
Genome position (GRCh38, 1-based): chr9:136,522,918, G>C on the plus strand (C>G on the coding strand, the complement: NOTCH1 is on the minus strand). VCF-style: chr9-136522918-G-C. GRCh37 (hg19) VCF-style: chr9-139417370-G-C.
Other names: c.674C>G, p.Ser225Trp (LRG_1122t1); short protein forms S225W.
Identifiers: ClinVar variation 658635 (VCV000658635.19), dbSNP rs553542677, ClinGen allele CA5342102.
Genomic context (GRCh38, chr9:136,522,918, plus strand): 5'-CAGGCACACTCGTGGGTGACGTCGCCCGTGGGGCGGCAGGTGCCCCCGTTCTGGCAGGGC[G>C]AGGGGCTGCAGGGCACGTAGGGCCGCTCGCAGTTGGGGCCAGTGTGGGTGGCGCGGCAGA-3'
Protein context (NP_060087.3, residues 215-235): CERPYVPCSP[Ser225Trp]PCQNGGTCRP